The following is an entry in ClinVar:

ClinVar aggregate classification (germline): Pathogenic. Review status: criteria provided, single submitter (1 of 4 stars). 2 submissions from 2 submitters: Pathogenic (1). 1 of the submissions does not count toward it. Last evaluated 2017-07-15.

Conditions:
Ehlers-Danlos syndrome, type 4 (EDSVASC). Also called: Ehlers-Danlos syndrome vascular type; Ehlers Danlos syndrome, ecchymotic type; Ehlers Danlos syndrome, arterial type; Ehlers Danlos syndrome, Sack-Barabas type; Ehlers-Danlos Syndrome Type IV. Identifiers: Orphanet 286, MedGen C0268338, MONDO:0017314, OMIM 130050.

Submissions (4):

Labcorp Genetics (formerly Invitae), Labcorp
Classification: Pathogenic for Ehlers-Danlos syndrome, type 4. Last evaluated: 2017-07-15. Review status: criteria provided, single submitter. Criteria: Invitae Variant Classification Sherloc (09022015). Collection method: clinical testing. Allele origin: germline.
Comment: For these reasons, this variant has been classified as Pathogenic. Donor and acceptor splice site variants typically lead to a loss of protein function (PMID: 16199547), and loss-of-function variants in COL3A1 are known to be pathogenic (PMID: 24922459). Algorithms developed to predict the effect of sequence changes on RNA splicing suggest that this variant may disrupt the consensus splice site, but this prediction has not been confirmed by published transcriptional studies. This variant has been reported in individuals affected with Ehlers-Danlos syndrome IV (PMID: 24922459). ClinVar contains an entry for this variant (Variation ID: 101115). This variant is not present in population databases (ExAC no frequency). This sequence change affects a donor splice site in intron 29 of the COL3A1 gene. It is expected to disrupt RNA splicing and likely results in an absent or disrupted protein product.

Collagen Diagnostic Laboratory, University of Washington
Classification: Pathogenic for Ehlers-Danlos syndrome, type 4. Review status: no assertion criteria provided. Collection method: clinical testing. Allele origin: germline. Affected: yes. Not counted in ClinVar's aggregate classification.

Dr. Peter K. Rogan Lab, Western University
No classification provided (evidence only). Condition: Nonpapillary renal cell carcinoma. Review status: no classification provided. Collection method: in vitro. Allele origin: not applicable. Functional consequence: retained intron. Not counted in ClinVar's aggregate classification.

Dr. Peter K. Rogan Lab, Western University
No classification provided (evidence only). Condition: Nonpapillary renal cell carcinoma. Review status: no classification provided. Collection method: in vitro. Allele origin: not applicable. Functional consequence: retained intron. Not counted in ClinVar's aggregate classification.

Literature cited by the submitters: PubMed 16199547 (cited by Labcorp Genetics (formerly Invitae), Labcorp); PubMed 24922459 (cited by Labcorp Genetics (formerly Invitae), Labcorp).

NM_000090.4(COL3A1):c.2022+2T>C

Gene: COL3A1 (collagen type III alpha 1 chain; plus strand). Cytogenetic location: 2q32.2.
Variant type: single nucleotide variant.
Coding change: c.2022+2T>C on transcript NM_000090.4 (MANE Select); the canonical splice donor site of the intron after coding-DNA position 2022, T replaced by C.
Molecular consequence: splice donor variant.
Genome position (GRCh38, 1-based): chr2:188,998,720, T>C. VCF-style: chr2-188998720-T-C. GRCh37 (hg19) VCF-style: chr2-189863446-T-C.
Identifiers: ClinVar variation 101115 (VCV000101115.11), dbSNP rs587779429, ClinGen allele CA004869.